The following is an entry in ClinVar:

ClinVar aggregate classification (germline): Benign. Review status: criteria provided, single submitter (1 of 4 stars). 2 submissions from 2 submitters: Benign (1). 1 of the submissions does not count toward it. Last evaluated 2025-12-23.

Conditions:
AQP1-related disorder. Also called: AQP1-related condition.

Allele frequency attached by ClinVar (database versions not stated): gnomAD 0.00091 and 0.00144; ESP Exome Variant Server 0.00100; gnomAD exomes 0.00230 and 0.00360; ExAC 0.00375; 1000 Genomes Project 30x 0.00437; 1000 Genomes Project 0.00439; TOPMed 0.00106.

Submissions (2):

Labcorp Genetics (formerly Invitae), Labcorp
Classification: Benign. Last evaluated: 2025-12-23. Review status: criteria provided, single submitter. Criteria: Invitae Variant Classification Sherloc (09022015). Collection method: clinical testing. Allele origin: germline.

PreventionGenetics, part of Exact Sciences
Classification: Likely benign for AQP1-related condition. Last evaluated: 2019-03-27. Review status: no assertion criteria provided. Collection method: clinical testing. Allele origin: germline. Not counted in ClinVar's aggregate classification.
Comment: This variant is classified as likely benign based on ACMG/AMP sequence variant interpretation guidelines (Richards et al. 2015 PMID: 25741868, with internal and published modifications).

NM_198098.4(AQP1):c.319G>A (p.Val107Ile)

Gene: AQP1 (aquaporin 1 (Colton blood group); plus strand). Cytogenetic location: 7p14.3.
Variant type: single nucleotide variant.
Coding change: c.319G>A on transcript NM_198098.4 (MANE Select); coding-DNA position 319, G replaced by A.
Protein change: p.Val107Ile; replaces valine 107 with isoleucine.
Molecular consequence: missense variant.
Genome position (GRCh38, 1-based): chr7:30,912,228, G>A. VCF-style: chr7-30912228-G-A. GRCh37 (hg19) VCF-style: chr7-30951843-G-A.
Other names: c.319G>A, p.Val107Ile (NM_001329872.2); c.319G>A (NM_198098.3); short protein forms V107I.
Identifiers: ClinVar variation 1593419 (VCV001593419.10), dbSNP rs35804488, ClinGen allele CA4208085.